The following is an entry in ClinVar:

ClinVar aggregate classification (germline): Uncertain significance (1 of 4 stars; one submission).

Allele frequency attached by ClinVar (database versions not stated): gnomAD exomes below 0.00001; gnomAD 0.00001; TOPMed 0.00001.
gnomAD v4.1: 8 of 1,613,992 alleles (0.0005%); highest among the groups gnomAD compares: Non-Finnish European, 0.00068%; no homozygotes.

Submission:

Labcorp Genetics (formerly Invitae), Labcorp
Classification: Uncertain significance. Last evaluated: 2022-04-12. Review status: criteria provided, single submitter. Criteria: Invitae Variant Classification Sherloc (09022015). Collection method: clinical testing. Allele origin: germline.
Comment: This sequence change replaces lysine, which is basic and polar, with threonine, which is neutral and polar, at codon 716 of the MTTP protein (p.Lys716Thr). The frequency data for this variant in the population databases is considered unreliable, as metrics indicate poor data quality at this position in the gnomAD database. This variant has not been reported in the literature in individuals affected with MTTP-related conditions. Algorithms developed to predict the effect of missense changes on protein structure and function are either unavailable or do not agree on the potential impact of this missense change (SIFT: "Tolerated"; PolyPhen-2: "Possibly Damaging"; Align-GVGD: "Class C0"). In summary, the available evidence is currently insufficient to determine the role of this variant in disease. Therefore, it has been classified as a Variant of Uncertain Significance.

NM_001386140.1(MTTP):c.2147A>C (p.Lys716Thr)

Gene: MTTP (microsomal triglyceride transfer protein; plus strand). Cytogenetic location: 4q23.
Variant type: single nucleotide variant.
Coding change: c.2147A>C on transcript NM_001386140.1 (MANE Select); coding-DNA position 2147, A replaced by C.
Protein change: p.Lys716Thr; replaces lysine 716 with threonine.
Molecular consequence: missense variant.
Genome position (GRCh38, 1-based): chr4:99,613,070, A>C. VCF-style: chr4-99613070-A-C. GRCh37 (hg19) VCF-style: chr4-100534227-A-C.
Other names: c.2147A>C, p.Lys716Thr (NM_000253.4); c.1898A>C, p.Lys633Thr (NM_001300785.2); short protein forms K633T, K716T.
Identifiers: ClinVar variation 2164641 (VCV002164641.1), dbSNP rs1194516375, ClinGen allele CA357517224.